The following is an entry in ClinVar:

ClinVar aggregate classification (germline): Pathogenic/Likely pathogenic. Review status: criteria provided, multiple submitters, no conflicts (2 of 4 stars). 2 submissions from 2 submitters: Pathogenic (1); Likely pathogenic (1). Last evaluated 2023-08-25.

Conditions:
Familial cancer of breast. Also called: hereditary breast carcinoma; BREAST CANCER, FAMILIAL; Hereditary breast cancer. Identifiers: Orphanet 227535, MedGen C0346153, MONDO:0016419, OMIM 114480. Disease mechanism: loss of function.

Submissions (2):

Baylor Genetics
Classification: Likely pathogenic for Familial cancer of breast. Last evaluated: 2023-08-25. Review status: criteria provided, single submitter. Criteria: ACMG Guidelines, 2015. Collection method: clinical testing. Allele origin: unknown.

Labcorp Genetics (formerly Invitae), Labcorp
Classification: Pathogenic for Familial cancer of breast. Last evaluated: 2020-08-20. Review status: criteria provided, single submitter. Criteria: Invitae Variant Classification Sherloc (09022015). Collection method: clinical testing. Allele origin: germline.
Comment: This sequence change creates a premature translational stop signal (p.Leu703Phefs*5) in the PALB2 gene. It is expected to result in an absent or disrupted protein product. This variant is not present in population databases (ExAC no frequency). This variant has not been reported in the literature in individuals with PALB2-related conditions. Loss-of-function variants in PALB2 are known to be pathogenic (PMID: 17200668, 24136930, 25099575). For these reasons, this variant has been classified as Pathogenic.

Literature cited by the submitters: PubMed 17200668 (cited by Labcorp Genetics (formerly Invitae), Labcorp); PubMed 24136930 (cited by Labcorp Genetics (formerly Invitae), Labcorp); PubMed 25099575 (cited by Labcorp Genetics (formerly Invitae), Labcorp).

NM_024675.4(PALB2):c.2109_2112del (p.Leu703fs)

Gene: PALB2 (partner and localizer of BRCA2; minus strand). Cytogenetic location: 16p12.2.
Variant type: Deletion.
Coding change: c.2109_2112del on transcript NM_024675.4 (MANE Select); coding-DNA positions 2109 to 2112, 4 bases deleted (ACTT; older notation c.2109_2112delACTT).
Protein change: p.Leu703fs; shifts the reading frame from leucine 703.
Molecular consequence: frameshift variant.
Genome position (GRCh38, 1-based): chr16:23,630,042-23,630,045, AAGT deleted on the plus strand (ACTT on the coding strand, the reverse complement: PALB2 is on the minus strand); deleting any 4 consecutive bases within chr16:23,630,042-23,630,047 gives the same sequence; the c. name uses the placement nearest the transcript's 3' end. VCF-style (leftmost placement, unchanged base first): chr16-23630041-AAAGT-A. GRCh37 (hg19) VCF-style: chr16-23641362-AAAGT-A.
Other names: short protein forms L703fs.
Identifiers: ClinVar variation 1069777 (VCV001069777.9), dbSNP rs2142380816, ClinGen allele CA2499223427.
Genomic context (GRCh38, chr16:23,630,041, plus strand): 5'-AACACATGTCTGTGGTAGGCCTGTCATTATCATCAGGCGCAACCGTATTTAAAGGAGTAT[AAAGT>A]AATATGGATGAAGAAAGGCCCGTCTTTGTATGCTGGCTTTGCGAGTTTGGCCTTTTGGGA-3'